The following is an entry in ClinVar:

NM_001122630.2(CDKN1C):c.278T>A (p.Leu93Gln)

Gene: CDKN1C (cyclin dependent kinase inhibitor 1C; minus strand). Cytogenetic location: 11p15.4.
Variant type: single nucleotide variant.
Coding change: c.278T>A on transcript NM_001122630.2 (MANE Select); coding-DNA position 278, T replaced by A.
Protein change: p.Leu93Gln; replaces leucine 93 with glutamine.
Molecular consequence: missense variant. On other transcripts: intron variant (1).
Genome position (GRCh38, 1-based): chr11:2,885,179, A>T on the plus strand (T>A on the coding strand, the complement: CDKN1C is on the minus strand). VCF-style: chr11-2885179-A-T. GRCh37 (hg19) VCF-style: chr11-2906409-A-T.
Other names: c.311T>A, p.Leu104Gln (NM_000076.2, NM_001362474.2); c.278T>A, p.Leu93Gln (NM_001122631.2); c.255+23T>A (NM_001362475.2); short protein forms L93Q, L104Q.
Identifiers: ClinVar variation 2711995 (VCV002711995.3), dbSNP rs1848966952, ClinGen allele CA379146982.

ClinVar aggregate classification (germline): Uncertain significance (1 of 4 stars; one submission).

Conditions:
Beckwith-Wiedemann syndrome (BWS). Also called: EMG SYNDROME; Exomphalos macroglossia gigantism syndrome. Identifiers: Orphanet 116, MedGen C0004903, MONDO:0007534, OMIM 130650.

Submission:

Labcorp Genetics (formerly Invitae), Labcorp
Classification: Uncertain significance for Beckwith-Wiedemann syndrome. Last evaluated: 2023-12-12. Review status: criteria provided, single submitter. Criteria: Invitae Variant Classification Sherloc (09022015). Collection method: clinical testing. Allele origin: germline.
Comment: This sequence change replaces leucine, which is neutral and non-polar, with glutamine, which is neutral and polar, at codon 104 of the CDKN1C protein (p.Leu104Gln). This variant is not present in population databases (gnomAD no frequency). This variant has not been reported in the literature in individuals affected with CDKN1C-related conditions. Advanced modeling of protein sequence and biophysical properties (such as structural, functional, and spatial information, amino acid conservation, physicochemical variation, residue mobility, and thermodynamic stability) performed at Invitae indicates that this missense variant is not expected to disrupt CDKN1C protein function with a negative predictive value of 80%. In summary, the available evidence is currently insufficient to determine the role of this variant in disease. Therefore, it has been classified as a Variant of Uncertain Significance.